The following is an entry in ClinVar:

ClinVar aggregate classification (germline): Uncertain significance. Review status: criteria provided, multiple submitters, no conflicts (2 of 4 stars). 3 submissions from 3 submitters: Uncertain significance (3). Last evaluated 2024-02-19.

Conditions:
Senior-Loken syndrome 4 (SLSN4). Identifiers: Orphanet 3156, MedGen C1846979, MONDO:0011756, OMIM 606996.
Nephronophthisis 4 (NPHP4). Also called: NEPHRONOPHTHISIS 4, JUVENILE. Identifiers: Orphanet 655, MedGen C1847013, MONDO:0011752, OMIM 606966.
Nephronophthisis. Also called: Juvenile Nephronophthisis. Identifiers: Orphanet 655, MedGen C0687120, MONDO:0019005, HP:0000090.

Submissions (3):

Fulgent Genetics
Classification: Uncertain significance for Nephronophthisis 4; Senior-Loken syndrome 4. Last evaluated: 2024-02-19. Review status: criteria provided, single submitter. Criteria: ACMG Guidelines, 2015. Collection method: clinical testing. Allele origin: germline.

Labcorp Genetics (formerly Invitae), Labcorp
Classification: Uncertain significance for Nephronophthisis. Last evaluated: 2022-03-11. Review status: criteria provided, single submitter. Criteria: Invitae Variant Classification Sherloc (09022015). Collection method: clinical testing. Allele origin: germline.
Comment: Algorithms developed to predict the effect of sequence changes on RNA splicing suggest that this variant may disrupt the consensus splice site. In summary, the available evidence is currently insufficient to determine the role of this variant in disease. Therefore, it has been classified as a Variant of Uncertain Significance. ClinVar contains an entry for this variant (Variation ID: 498314). This variant has not been reported in the literature in individuals affected with NPHP4-related conditions. This variant is not present in population databases (gnomAD no frequency). This sequence change falls in intron 3 of the NPHP4 gene. It does not directly change the encoded amino acid sequence of the NPHP4 protein.

Eurofins Ntd Llc (ga)
Classification: Uncertain significance. Last evaluated: 2016-11-30. Review status: criteria provided, single submitter. Criteria: EGL Classification Definitions 2015. Collection method: clinical testing. Allele origin: germline. Observed: 1 variant allele, 1 heterozygote.

NM_015102.5(NPHP4):c.280-4G>T

Gene: NPHP4 (nephrocystin 4; minus strand). Cytogenetic location: 1p36.31.
Variant type: single nucleotide variant.
Coding change: c.280-4G>T on transcript NM_015102.5 (MANE Select); 4 bases into the intron before coding-DNA position 280, G replaced by T.
Molecular consequence: intron variant.
Genome position (GRCh38, 1-based): chr1:5,969,263, C>A on the plus strand (G>T on the coding strand, the complement: NPHP4 is on the minus strand). VCF-style: chr1-5969263-C-A. GRCh37 (hg19) VCF-style: chr1-6029323-C-A.
Other names: c.-1087-4G>T (NM_001291594.2); c.-950-4G>T (NM_001291593.2).
Identifiers: ClinVar variation 498314 (VCV000498314.10), dbSNP rs190495420, ClinGen allele CA658795380.